The following is an entry in ClinVar:

ClinVar aggregate classification (germline): Uncertain significance. Review status: criteria provided, multiple submitters, no conflicts (2 of 4 stars). 5 submissions from 5 submitters: Uncertain significance (5). Last evaluated 2024-09-10.

Conditions:
Inborn genetic diseases. Identifiers: MedGen C0950123, MeSH D030342.
RYR1-related disorder. Also called: RYR1-related disorders; RYR1-related condition. Identifiers: MedGen CN239331.
Malignant hypothermia.
Malignant hyperthermia, susceptibility to, 1 (MHS1). Also called: RYR1-Related Malignant Hyperthermia Susceptibility; Anesthesia related hyperthermia; Malignant hyperpyrexia; Fulminating hyperpyrexia; Pharmacogenic myopathy; Malignant hyperthermia suceptibility 1. Identifiers: Orphanet 423, MedGen C2930980, MONDO:0007783, OMIM 145600.

Allele frequency attached by ClinVar (database versions not stated): ESP Exome Variant Server 0.00008; gnomAD 0.00001 and 0.00002; TOPMed 0.00001; ExAC 0.00003; gnomAD exomes 0.00003.
gnomAD v4.1: 117 of 1,613,958 alleles (0.0072%); highest among the groups gnomAD compares: South Asian, 0.012%; no homozygotes.

Submissions (5):

Labcorp Genetics (formerly Invitae), Labcorp
Classification: Uncertain significance for RYR1-related disorder. Last evaluated: 2024-09-10. Review status: criteria provided, single submitter. Criteria: Invitae Variant Classification Sherloc (09022015). Collection method: clinical testing. Allele origin: germline.
Comment: This sequence change replaces arginine, which is basic and polar, with glutamine, which is neutral and polar, at codon 3577 of the RYR1 protein (p.Arg3577Gln). This variant is present in population databases (rs372914229, gnomAD 0.02%). This variant has not been reported in the literature in individuals affected with RYR1-related conditions. ClinVar contains an entry for this variant (Variation ID: 218464). Invitae Evidence Modeling of protein sequence and biophysical properties (such as structural, functional, and spatial information, amino acid conservation, physicochemical variation, residue mobility, and thermodynamic stability) indicates that this missense variant is not expected to disrupt RYR1 protein function with a negative predictive value of 95%. In summary, the available evidence is currently insufficient to determine the role of this variant in disease. Therefore, it has been classified as a Variant of Uncertain Significance.

All of Us Research Program, National Institutes of Health
Classification: Uncertain significance for Malignant hyperthermia, susceptibility to, 1. Last evaluated: 2024-06-08. Review status: criteria provided, single submitter. Criteria: ACMG Guidelines, 2015. Collection method: clinical testing. Allele origin: germline. Inheritance: Autosomal dominant inheritance. Observed: 15 variant alleles, 15 heterozygotes.
Comment: This missense variant replaces arginine with glutamine at codon 3577 of the RYR1 protein. Computational prediction suggests that this variant may not impact protein structure and function (internally defined REVEL score threshold <= 0.5, PMID: 27666373). To our knowledge, functional studies have not been reported for this variant. This variant has not been reported in individuals affected with RYR1-related disorders in the literature. This variant has been identified in 8/251002 chromosomes in the general population by the Genome Aggregation Database (gnomAD). The available evidence is insufficient to determine the role of this variant in disease conclusively. Therefore, this variant is classified as a Variant of Uncertain Significance.

This study involves interpretation of variants in research participants for the purpose of population health screening. Participant phenotype was not available at the time of variant classification. Additional details can be found in publication PMID: 35346344, PMCID: PMC8962531

Color Diagnostics, LLC DBA Color Health
Classification: Uncertain significance for Malignant hyperthermia, susceptibility to, 1. Last evaluated: 2024-03-06. Review status: criteria provided, single submitter. Criteria: ACMG Guidelines, 2015. Collection method: clinical testing. Allele origin: germline.
Comment: This missense variant replaces arginine with glutamine at codon 3577 of the RYR1 protein. Computational prediction suggests that this variant may not impact protein structure and function. To our knowledge, functional studies have not been reported for this variant. This variant has not been reported in individuals affected with RYR1-related disorders in the literature. This variant has been identified in 8/251002 chromosomes in the general population by the Genome Aggregation Database (gnomAD). The available evidence is insufficient to determine the role of this variant in disease conclusively. Therefore, this variant is classified as a Variant of Uncertain Significance.

Ambry Genetics
Classification: Uncertain significance for Inborn genetic diseases. Last evaluated: 2022-01-04. Review status: criteria provided, single submitter. Criteria: Ambry Variant Classification Scheme 2023. Collection method: clinical testing. Allele origin: germline.

Genomic Diagnostic Laboratory, Division of Genomic Diagnostics, Children's Hospital of Philadelphia
Classification: Uncertain significance for Malignant hypothermia. Last evaluated: 2015-06-11. Review status: criteria provided, single submitter. Criteria: DGD Variant Analysis Guidelines. Collection method: clinical testing. Allele origin: unknown.

NM_000540.3(RYR1):c.10730G>A (p.Arg3577Gln)

Gene: RYR1 (ryanodine receptor 1; plus strand). Cytogenetic location: 19q13.2.
Variant type: single nucleotide variant.
Coding change: c.10730G>A on transcript NM_000540.3 (MANE Select); coding-DNA position 10730, G replaced by A.
Protein change: p.Arg3577Gln; replaces arginine 3577 with glutamine.
Molecular consequence: missense variant.
Genome position (GRCh38, 1-based): chr19:38,527,690, G>A. VCF-style: chr19-38527690-G-A. GRCh37 (hg19) VCF-style: chr19-39018330-G-A.
Other names: c.10715G>A, p.Arg3572Gln (NM_001042723.2); short protein forms R3577Q, R3572Q.
Identifiers: ClinVar variation 218464 (VCV000218464.7), dbSNP rs372914229, ClinGen allele CA054569.